The following is an entry in ClinVar:

ClinVar aggregate classification (germline): Uncertain significance. Review status: criteria provided, multiple submitters, no conflicts (2 of 4 stars). 3 submissions from 3 submitters: Uncertain significance (3). Last evaluated 2025-09-03.

Conditions:
Catecholaminergic polymorphic ventricular tachycardia (CVPT). Also called: Catecholamine-induced polymorphic ventricular tachycardia. Identifiers: Orphanet 3286, MedGen C5574922, MONDO:0017990.
Catecholaminergic polymorphic ventricular tachycardia 1. Also called: RYR2-Related Catecholaminergic Polymorphic Ventricular Tachycardia; VENTRICULAR TACHYCARDIA, CATECHOLAMINERGIC POLYMORPHIC, 1, WITH OR WITHOUT ATRIAL DYSFUNCTION AND/OR DILATED CARDIOMYOPATHY; VENTRICULAR TACHYCARDIA, STRESS-INDUCED POLYMORPHIC 1. Identifiers: Orphanet 3286, MedGen C1631597, MONDO:0011484, OMIM 604772.

gnomAD v4.1: 7 of 1,613,798 alleles (0.00043%); highest among the groups gnomAD compares: Non-Finnish European, 0.00059%; no homozygotes.

Submissions (3):

Labcorp Genetics (formerly Invitae), Labcorp
Classification: Uncertain significance for Catecholaminergic polymorphic ventricular tachycardia 1. Last evaluated: 2025-09-03. Review status: criteria provided, single submitter. Criteria: Invitae Variant Classification Sherloc (09022015). Collection method: clinical testing. Allele origin: germline.
Comment: This sequence change replaces proline, which is neutral and non-polar, with glutamine, which is neutral and polar, at codon 1124 of the RYR2 protein (p.Pro1124Gln). This variant is present in population databases (no rsID available, gnomAD 0.0009%). This variant has not been reported in the literature in individuals affected with RYR2-related conditions. ClinVar contains an entry for this variant (Variation ID: 1019959). Invitae Evidence Modeling of protein sequence and biophysical properties (such as structural, functional, and spatial information, amino acid conservation, physicochemical variation, residue mobility, and thermodynamic stability) indicates that this missense variant is not expected to disrupt RYR2 protein function with a negative predictive value of 95%. In summary, the available evidence is currently insufficient to determine the role of this variant in disease. Therefore, it has been classified as a Variant of Uncertain Significance.

All of Us Research Program, National Institutes of Health
Classification: Uncertain significance for Catecholaminergic polymorphic ventricular tachycardia. Last evaluated: 2024-01-08. Review status: criteria provided, single submitter. Criteria: ACMG Guidelines, 2015. Collection method: clinical testing. Allele origin: germline. Inheritance: Autosomal dominant inheritance. Observed: 2 variant alleles, 2 heterozygotes.
Comment: This missense variant replaces proline with glutamine at codon 1124 of the RYR2 protein. Computational prediction suggests that this variant may not impact protein structure and function (internally defined REVEL score threshold <= 0.5, PMID: 27666373). To our knowledge, functional studies have not been reported for this variant. This variant has not been reported in individuals affected with RYR2-related disorders in the literature. This variant has been identified in 1/249216 chromosomes in the general population by the Genome Aggregation Database (gnomAD). The available evidence is insufficient to determine the role of this variant in disease conclusively. Therefore, this variant is classified as a Variant of Uncertain Significance.

This study involves interpretation of variants in research participants for the purpose of population health screening. Participant phenotype was not available at the time of variant classification. Additional details can be found in publication PMID: 35346344, PMCID: PMC8962531

GeneDx
Classification: Uncertain significance. Last evaluated: 2020-03-27. Review status: criteria provided, single submitter. Criteria: GeneDx Variant Classification Process June 2021. Collection method: clinical testing. Allele origin: germline. Affected: yes.
Comment: Has not been previously published as pathogenic or benign to our knowledge; Not observed at a significant frequency in large population cohorts (Lek et al., 2016); In silico analysis supports that this missense variant has a deleterious effect on protein structure/function; Not located in one of the three hot-spot regions of the RYR2 gene, where the majority of pathogenic missense variants occur (Medeiros-Domingo et al., 2009)

NM_001035.3(RYR2):c.3371C>A (p.Pro1124Gln)

Gene: RYR2 (ryanodine receptor 2; plus strand). Cytogenetic location: 1q43.
Variant type: single nucleotide variant.
Coding change: c.3371C>A on transcript NM_001035.3 (MANE Select); coding-DNA position 3371, C replaced by A.
Protein change: p.Pro1124Gln; replaces proline 1124 with glutamine.
Molecular consequence: missense variant.
Genome position (GRCh38, 1-based): chr1:237,566,723, C>A. VCF-style: chr1-237566723-C-A. GRCh37 (hg19) VCF-style: chr1-237730023-C-A.
Other names: short protein forms P1124Q.
Identifiers: ClinVar variation 1019959 (VCV001019959.11), dbSNP rs779640835, ClinGen allele CA345398695.